The following is an entry in ClinVar:

ClinVar aggregate classification (germline): Pathogenic. Review status: reviewed by expert panel (3 of 4 stars). 4 submissions from 4 submitters: Pathogenic (1). 3 of the submissions do not count toward it. Last evaluated 2016-09-08.

Conditions:
Hereditary cancer-predisposing syndrome. Also called: Tumor predisposition; Hereditary Cancer Syndrome; Neoplastic Syndromes, Hereditary; Hereditary neoplastic syndrome. Identifiers: Orphanet 140162, MedGen C0027672, MeSH D009386, MONDO:0015356.
Breast-ovarian cancer, familial, susceptibility to, 2 (BROVCA2). Also called: BRCA2 Hereditary Breast and Ovarian Cancer. Identifiers: Orphanet 145, MedGen C2675520, MONDO:0012933, OMIM 612555. Disease mechanism: loss of function.

Submissions (4):

Evidence-based Network for the Interpretation of Germline Mutant Alleles (ENIGMA)
Classification: Pathogenic for Breast-ovarian cancer, familial, susceptibility to, 2. Last evaluated: 2016-09-08. Review status: reviewed by expert panel. Criteria: ENIGMA BRCA1/2 Classification Criteria (2015). Collection method: curation. Allele origin: germline.
Comment: Variant allele predicted to encode a truncated non-functional protein.

Ambry Genetics
Classification: Pathogenic for Hereditary cancer-predisposing syndrome. Last evaluated: 2017-12-20. Review status: criteria provided, single submitter. Criteria: Ambry Variant Classification Scheme 2023. Collection method: clinical testing. Allele origin: germline. Not counted in ClinVar's aggregate classification.
Comment: The c.2526dupA pathogenic mutation, located in coding exon 10 of the BRCA2 gene, results from a duplication of A at nucleotide position 2526, causing a translational frameshift with a predicted alternate stop codon (p.A843Sfs*38). This alteration is expected to result in loss of function by premature protein truncation or nonsense-mediated mRNA decay. As such, this alteration is interpreted as a disease-causing mutation.

Consortium of Investigators of Modifiers of BRCA1/2 (CIMBA), c/o University of Cambridge
Classification: Pathogenic for Breast-ovarian cancer, familial, susceptibility to, 2. Last evaluated: 2015-10-02. Review status: criteria provided, single submitter. Criteria: CIMBA Mutation Classification guidelines May 2016. Collection method: clinical testing. Allele origin: germline. Not counted in ClinVar's aggregate classification.

Breast Cancer Information Core (BIC) (BRCA2)
Classification: Pathogenic for Breast-ovarian cancer, familial 2. Last evaluated: 1999-06-22. Review status: no assertion criteria provided. Collection method: clinical testing. Allele origin: germline. Affected: yes. Observed: 2 variant alleles. Not counted in ClinVar's aggregate classification.

NM_000059.4(BRCA2):c.2526dup (p.Ala843fs)

Gene: BRCA2 (BRCA2 DNA repair associated; plus strand). Cytogenetic location: 13q13.1.
Variant type: Duplication.
Coding change: c.2526dup on transcript NM_000059.4 (MANE Select); coding-DNA position 2526, one base duplicated (A; older notation c.2526dupA).
Protein change: p.Ala843fs; shifts the reading frame from alanine 843.
Molecular consequence: frameshift variant.
Genome position (GRCh38, 1-based): chr13:32,336,881, A duplicated. VCF-style (leftmost placement, unchanged base first): chr13-32336880-T-TA. GRCh37 (hg19) VCF-style: chr13-32911017-T-TA.
Other names: 2754insA; c.2526dupA (NM_000059.3); short protein forms A843fs.
Identifiers: ClinVar variation 125985 (VCV000125985.7), dbSNP rs80359332, ClinGen allele CA015550.